The following is an entry in ClinVar:

NM_001033855.3(DCLRE1C):c.362+1G>T

Gene: DCLRE1C (DNA cross-link repair 1C; minus strand). Cytogenetic location: 10p13.
Variant type: single nucleotide variant.
Coding change: c.362+1G>T on transcript NM_001033855.3 (MANE Select); the canonical splice donor site of the intron after coding-DNA position 362, G replaced by T.
Molecular consequence: splice donor variant. On other transcripts: intron variant (4), initiator codon variant (5).
Genome position (GRCh38, 1-based): chr10:14,936,537, C>A on the plus strand (G>T on the coding strand, the complement: DCLRE1C is on the minus strand). VCF-style: chr10-14936537-C-A. GRCh37 (hg19) VCF-style: chr10-14978536-C-A.
Other names: IVS5DS, G-T, +1; c.18-973G>T (NM_001350966.2, NM_001289078.2, NM_001289076.2 and 1 more transcripts); c.362+1G>T (NM_001350965.2); c.2+1G>T (NM_001350967.2, NM_001289077.2, NM_001289079.2 and 2 more transcripts).
Identifiers: ClinVar variation 4670 (VCV000004670.4), dbSNP rs1564446526, ClinGen allele CA376061094.
Genomic context (GRCh38, chr10:14,936,537, plus strand): 5'-TTTCTACAAATACAATATGTGTCTACATATAATAAAATGACAAAATAAATGACCCCCTTA[C>A]ATAACTGATCCCGGACAGTGACCAGCTGGTAAGAGAGTCACAACAATCTCTTCCTTCTAA-3'

ClinVar aggregate classification (germline): Pathogenic. Review status: criteria provided, multiple submitters, no conflicts (2 of 4 stars). 3 submissions from 3 submitters: Pathogenic (2). 1 of the submissions does not count toward it. Last evaluated 2024-05-21.

Conditions:
Athabaskan severe combined immunodeficiency (SCIDA). Also called: Severe combined immunodeficiency, athabascan-type. Identifiers: MedGen C1865370.
Severe combined immunodeficiency due to DCLRE1C deficiency (RS-SCID). Also called: SCID, AUTOSOMAL RECESSIVE, T CELL-NEGATIVE, B CELL-NEGATIVE, NK CELL-POSITIVE, WITH SENSITIVITY TO IONIZING RADIATION. Identifiers: Orphanet 275, MedGen C1865371, MONDO:0011225, OMIM 602450.
Histiocytic medullary reticulosis. Also called: Omenn syndrome; SEVERE COMBINED IMMUNODEFICIENCY WITH HYPEREOSINOPHILIA. Identifiers: Orphanet 39041, MedGen C2700553, MONDO:0011338, OMIM 603554.

gnomAD v4.1: 2 of 1,611,244 alleles (0.00012%); no homozygotes.

Submissions (3):

Natera, Inc.
Classification: Pathogenic for Athabascan severe combined immunodeficiency. Last evaluated: 2024-05-21. Review status: criteria provided, single submitter. Criteria: Natera Variant Classification Schema (03/2026). Collection method: clinical testing. Allele origin: germline.
Comment: The c.362+1G>T variant in DCLRE1C is a canonical splice donor site variant predicted to affect pre-mRNA splicing, which may result in an abnormal transcript and altered protein product. This variant is expected to result in nonsense mediated decay, truncation, or a dysfunctional protein product. This variant is rare in the general population with a frequency below the threshold expected for the associated phenotype(s). This variant has been observed in one or more individuals affected with the associated recessive disease, as either homozygous or compound heterozygous with a second variant (PMID: 11336668). Functional studies show that this variant may disrupt protein function (PMID: 11336668). Another variant at this same site results in an alteration predicted to cause a similar molecular effect has been observed in individual(s) with the associated phenotype. Given the available evidence, this variant is classified as Pathogenic.

Baylor Genetics
Classification: Pathogenic for Histiocytic medullary reticulosis. Last evaluated: 2022-06-29. Review status: criteria provided, single submitter. Criteria: ACMG Guidelines, 2015. Collection method: clinical testing. Allele origin: unknown.

OMIM
Classification: Pathogenic for SEVERE COMBINED IMMUNODEFICIENCY WITH SENSITIVITY TO IONIZING RADIATION. Last evaluated: 2001-04-20. Review status: no assertion criteria provided. Collection method: literature only. Allele origin: germline. Not counted in ClinVar's aggregate classification.

Literature cited by the submitters: PubMed 11336668 (cited by Natera, Inc. and OMIM).